The following is an entry in ClinVar:

ClinVar aggregate classification (germline): Pathogenic (1 of 4 stars; one submission).

Conditions:
Ataxia - intellectual disability - oculomotor apraxia - cerebellar cysts syndrome. Also called: Poretti-Boltshauser syndrome. Identifiers: Orphanet 370022, MedGen C4014821, MONDO:0014419, OMIM 615960.

Submission:

Pele Pequeno Principe Research Institute, Faculdades Pequeno Principe
Classification: Pathogenic for Ataxia - intellectual disability - oculomotor apraxia - cerebellar cysts syndrome. Last evaluated: 2026-01-27. Review status: criteria provided, single submitter. Criteria: ACMG Guidelines, 2015. Collection method: research. Allele origin: germline. Inheritance: Autosomal recessive inheritance. Affected: yes. Observed: 1 compound heterozygote.
Comment: The LAMA1:c.2402+1G>A variant affects the canonical splice donor site and is therefore predicted to result in loss of function, a disease-causing mechanism well established for the LAMA1 gene. According to the Genome Aggregation Database (gnomAD), this variant is absent from population datasets. This variant was identified in compound heterozygosity, confirmed by parental genotyping, with LAMA1:c.4993dup (p.Gln1665Profs*19). The individual’s clinical findings are consistent with Poretti–Boltshauser syndrome, a condition associated with biallelic loss-of-function variants in LAMA1.

Literature cited by the submitters: PubMed 25105227; PubMed 33083009; PubMed 35616092.

NM_005559.4(LAMA1):c.2402+1G>A

Gene: LAMA1 (laminin subunit alpha 1; minus strand).
Variant type: single nucleotide variant.
Coding change: c.2402+1G>A on transcript NM_005559.4 (MANE Select); the canonical splice donor site of the intron after coding-DNA position 2402, G replaced by A.
Molecular consequence: splice donor variant.
Identifiers: ClinVar variation 4686683 (VCV004686683.1).